The following is an entry in ClinVar:

ClinVar aggregate classification (germline): Uncertain significance. Review status: criteria provided, multiple submitters, no conflicts (2 of 4 stars). 2 submissions from 2 submitters: Uncertain significance (2). Last evaluated 2025-04-28.

Conditions:
Inborn genetic diseases. Identifiers: MedGen C0950123, MeSH D030342.

Allele frequency attached by ClinVar (database versions not stated): 1000 Genomes Project 30x 0.00016; 1000 Genomes Project 0.00020.

Submissions (2):

Ambry Genetics
Classification: Uncertain significance for Inborn genetic diseases. Last evaluated: 2025-04-28. Review status: criteria provided, single submitter. Criteria: Ambry Variant Classification Scheme 2023. Collection method: clinical testing. Allele origin: germline.

CeGaT Center for Human Genetics Tuebingen
Classification: Uncertain significance. Last evaluated: 2024-02-01. Review status: criteria provided, single submitter. Criteria: CeGaT Center For Human Genetics Tuebingen Variant Classification Criteria Version 2. Collection method: clinical testing. Allele origin: germline. Affected: yes. Observed: 1 variant allele.
Comment: ANO10: PM2

NM_018075.5(ANO10):c.730G>T (p.Val244Leu)

Gene: ANO10 (anoctamin 10; minus strand). Cytogenetic location: 3p22.1.
Variant type: single nucleotide variant.
Coding change: c.730G>T on transcript NM_018075.5 (MANE Select); coding-DNA position 730, G replaced by T.
Protein change: p.Val244Leu; replaces valine 244 with leucine.
Molecular consequence: missense variant. On other transcripts: intron variant (1).
Genome position (GRCh38, 1-based): chr3:43,577,124, C>A on the plus strand (G>T on the coding strand, the complement: ANO10 is on the minus strand). VCF-style: chr3-43577124-C-A. GRCh37 (hg19) VCF-style: chr3-43618616-C-A.
Other names: c.730G>T (NM_018075.3); c.730G>T, p.Val244Leu (NM_001204831.3, NM_001346463.2, NM_001346464.2 and 3 more transcripts); c.532G>T, p.Val178Leu (NM_001204832.3, NM_001346466.2, NM_001346469.2); c.397G>T, p.Val133Leu (NM_001204833.3); c.593-2260G>T (NM_001204834.3); short protein forms V133L, V178L, V244L.
Identifiers: ClinVar variation 3025430 (VCV003025430.22), dbSNP rs201052710, ClinGen allele CA2340964.
Genomic context (GRCh38, chr3:43,577,124, plus strand): 5'-CACGCTTCCACAGTTCCAGAATCACCGTGGACCAGATGAGGTTGAACGAGGCAAAGATCA[C>A]GTACTTGTCATAGTCTTCCCACACAAACAAGTAGTAAGGTAACCCAATGACAGCCATGGG-3'
Protein context (NP_060545.3, residues 234-254): LFVWEDYDKY[Val244Leu]IFASFNLIWS